The following is an entry in ClinVar:

NM_001035.3(RYR2):c.8298+2_8298+6del

Gene: RYR2 (ryanodine receptor 2; plus strand). Cytogenetic location: 1q43.
Variant type: Deletion.
Coding change: c.8298+2_8298+6del on transcript NM_001035.3 (MANE Select); the canonical splice donor site of the intron after coding-DNA position 8298 through 6 bases into the intron after coding-DNA position 8298, 5 bases deleted (TAAGG; older notation c.8298+2_8298+6delTAAGG).
Molecular consequence: splice donor variant.
Genome position (GRCh38, 1-based): chr1:237,660,076-237,660,080, TAAGG deleted; deleting any 5 consecutive bases within chr1:237,660,072-237,660,080 gives the same sequence; the c. name uses the placement nearest the transcript's 3' end. VCF-style (leftmost placement, unchanged base first): chr1-237660071-AAAGGT-A. GRCh37 (hg19) VCF-style: chr1-237823371-AAAGGT-A.
Identifiers: ClinVar variation 3074649 (VCV003074649.1), dbSNP rs2547114588, ClinGen allele CA2825000943.
Genomic context (GRCh38, chr1:237,660,071, plus strand): 5'-AATATATTCAGACTCTTCTAAGGTTCAGCCATTAATGAAGCCATATAAGCTATTGTCTGA[AAAGGT>A]AAGGATTTTTTGTTTGTTTTAGTTTGTAAAGTTTTTATTCTTTTGAAAAATGTGTTTTTT-3'

ClinVar aggregate classification (germline): Uncertain significance (1 of 4 stars; one submission).

Conditions:
Catecholaminergic polymorphic ventricular tachycardia (CVPT). Also called: Catecholamine-induced polymorphic ventricular tachycardia. Identifiers: Orphanet 3286, MedGen C5574922, MONDO:0017990.

Submission:

All of Us Research Program, National Institutes of Health
Classification: Uncertain significance for Catecholaminergic polymorphic ventricular tachycardia. Last evaluated: 2023-11-20. Review status: criteria provided, single submitter. Criteria: ACMG Guidelines, 2015. Collection method: clinical testing. Allele origin: germline. Inheritance: Autosomal dominant inheritance. Observed: 1 variant allele, 1 heterozygote.
Comment: This variant causes a deletion of 5 nucleotides in intron 55 of the RYR2 gene. Splice site prediction tools predict that this variant may have a significant impact on RNA splicing, To our knowledge, RNA studies have not been reported for this variant. This variant has not been reported in individuals affected with RYR2-related disorders in the literature. This variant has not been identified in the general population by the Genome Aggregation Database (gnomAD). The available evidence is insufficient to determine the role of this variant in disease conclusively. Therefore, this variant is classified as a Variant of Uncertain Significance.

This study involves interpretation of variants in research participants for the purpose of population health screening. Participant phenotype was not available at the time of variant classification. Additional details can be found in publication PMID: 35346344, PMCID: PMC8962531